The following is an entry in ClinVar:

NM_201384.3(PLEC):c.3261-17C>T

Gene: PLEC (plectin; minus strand). Cytogenetic location: 8q24.3.
Variant type: single nucleotide variant.
Coding change: c.3261-17C>T on transcript NM_201384.3 (MANE Select); 17 bases into the intron before coding-DNA position 3261, C replaced by T.
Molecular consequence: intron variant.
Genome position (GRCh38, 1-based): chr8:143,928,009, G>A on the plus strand (C>T on the coding strand, the complement: PLEC is on the minus strand). VCF-style: chr8-143928009-G-A. GRCh37 (hg19) VCF-style: chr8-145002177-G-A.
Other names: c.3342-17C>T (NM_000445.5); c.3219-17C>T (NM_201378.4); c.3195-17C>T (NM_201379.3); c.3672-17C>T (NM_201380.4); c.3165-17C>T (NM_201381.3); c.3261-17C>T (NM_201382.4); c.3273-17C>T (NM_201383.3).
Identifiers: ClinVar variation 514729 (VCV000514729.4), dbSNP rs782086377, ClinGen allele CA4927149.

ClinVar aggregate classification (germline): Likely benign. Review status: criteria provided, multiple submitters, no conflicts (2 of 4 stars). 2 submissions from 2 submitters: Likely benign (2). Last evaluated 2023-01-19.

Conditions:
Epidermolysis bullosa simplex 5C, with pyloric atresia (EBS5C). Also called: PLEC-Related Epidermolysis Bullosa with Pyloric Atresia; Epidermolysis bullosa simplex with pyloric atresia; PLEC1-Related Epidermolysis Bullosa with Pyloric Atresia. Identifiers: Orphanet 158684, MedGen C2677349, MONDO:0012807, OMIM 612138.
Autosomal recessive limb-girdle muscular dystrophy type 2Q (LGMDR17). Also called: MUSCULAR DYSTROPHY, LIMB-GIRDLE, AUTOSOMAL RECESSIVE 17. Identifiers: Orphanet 254361, MedGen C3150989, MONDO:0013390, OMIM 613723.
Epidermolysis bullosa simplex 5B, with muscular dystrophy (EBS5B). Also called: Epidermolysis bullosa simplex with muscular dystrophy; EPIDERMOLYSIS BULLOSA SIMPLEX AND LIMB-GIRDLE MUSCULAR DYSTROPHY. Identifiers: Orphanet 257, MedGen C2931072, MONDO:0009181, OMIM 226670.
Epidermolysis bullosa simplex, Ogna type (EBS5A). Also called: Pidermolysis bullosa simplex 5A, Ogna type; EPIDERMOLYSIS BULLOSA SIMPLEX 5A, OGNA TYPE. Identifiers: Orphanet 79401, MedGen C0432317, MONDO:0007555, OMIM 131950.
Epidermolysis bullosa simplex with nail dystrophy (EBS5D). Identifiers: MedGen C4225309, MONDO:0014661, OMIM 616487.

Allele frequency attached by ClinVar (database versions not stated): gnomAD exomes below 0.00001; ExAC 0.00001; gnomAD 0.00001; TOPMed 0.00001.
gnomAD v4.1: 4 of 1,585,044 alleles (0.00025%); highest among the groups gnomAD compares: African/African-American, 0.0027%; no homozygotes.

Submissions (2):

Labcorp Genetics (formerly Invitae), Labcorp
Classification: Likely benign for Autosomal recessive limb-girdle muscular dystrophy type 2Q; Epidermolysis bullosa simplex, Ogna type; Epidermolysis bullosa simplex with nail dystrophy; Epidermolysis bullosa simplex 5C, with pyloric atresia; Epidermolysis bullosa simplex 5B, with muscular dystrophy. Last evaluated: 2023-01-19. Review status: criteria provided, single submitter. Criteria: Invitae Variant Classification Sherloc (09022015). Collection method: clinical testing. Allele origin: germline.

GeneDx
Classification: Likely benign. Last evaluated: 2018-01-17. Review status: criteria provided, single submitter. Criteria: GeneDx Variant Classification (06012015). Collection method: clinical testing. Allele origin: germline. Affected: yes.
Comment: This variant is considered likely benign or benign based on one or more of the following criteria: it is a conservative change, it occurs at a poorly conserved position in the protein, it is predicted to be benign by multiple in silico algorithms, and/or has population frequency not consistent with disease.